The following is an entry in ClinVar:

NM_002875.5(RAD51):c.520G>A (p.Val174Met)

Gene: RAD51 (RAD51 recombinase; plus strand). Cytogenetic location: 15q15.1.
Variant type: single nucleotide variant.
Coding change: c.520G>A on transcript NM_002875.5 (MANE Select); coding-DNA position 520, G replaced by A.
Protein change: p.Val174Met; replaces valine 174 with methionine.
Molecular consequence: missense variant.
Genome position (GRCh38, 1-based): chr15:40,718,889, G>A. VCF-style: chr15-40718889-G-A. GRCh37 (hg19) VCF-style: chr15-41011087-G-A.
Other names: c.523G>A, p.Val175Met (NM_001164269.2, NM_133487.4); c.520G>A, p.Val174Met (NM_001164270.2); short protein forms V174M, V175M.
Identifiers: ClinVar variation 1746099 (VCV001746099.2), dbSNP rs1381595625, ClinGen allele CA391753654.

ClinVar aggregate classification (germline): Uncertain significance (1 of 4 stars; one submission).

Conditions:
Inborn genetic diseases. Identifiers: MedGen C0950123, MeSH D030342.

Allele frequency attached by ClinVar (database versions not stated): gnomAD exomes below 0.00001; TOPMed below 0.00001.
gnomAD v4.1: 1 of 1,609,548 alleles (0.000062%); highest among the groups gnomAD compares: East Asian, 0.0022%; no homozygotes.

Submission:

Ambry Genetics
Classification: Uncertain significance for Inborn genetic diseases. Last evaluated: 2022-01-12. Review status: criteria provided, single submitter. Criteria: Ambry Variant Classification Scheme 2023. Collection method: clinical testing. Allele origin: germline.
Comment: The p.V174M variant (also known as c.520G>A), located in coding exon 5 of the RAD51 gene, results from a G to A substitution at nucleotide position 520. The valine at codon 174 is replaced by methionine, an amino acid with highly similar properties. This amino acid position is conserved. In addition, the in silico prediction for this alteration is inconclusive. Since supporting evidence is limited at this time, the clinical significance of this alteration remains unclear.